The following is an entry in ClinVar:

NM_032382.5(COG8):c.1702C>A (p.Gln568Lys)

Genes: COG8 (component of oligomeric golgi complex 8; minus strand), LOC130059304 (ATAC-STARR-seq lymphoblastoid silent region 7657; plus strand). Cytogenetic location: 16q22.1.
Variant type: single nucleotide variant.
Coding change: c.1702C>A on transcript NM_032382.5 (MANE Select); coding-DNA position 1702, C replaced by A.
Protein change: p.Gln568Lys; replaces glutamine 568 with lysine.
Molecular consequence: missense variant. On other transcripts: intron variant (2).
Genome position (GRCh38, 1-based): chr16:69,330,976, G>T on the plus strand (C>A on the coding strand, the complement: COG8 is on the minus strand). VCF-style: chr16-69330976-G-T. GRCh37 (hg19) VCF-style: chr16-69364879-G-T.
Other names: c.1843C>A, p.Gln615Lys (NM_001379261.1); c.1702C>A, p.Gln568Lys (NM_001379262.1, NM_001379264.1); c.1741C>A, p.Gln581Lys (NM_001379263.1); c.1414-1797C>A (NM_001379266.1); c.1582+1738C>A (NM_001379265.1); short protein forms Q568K, Q581K, Q615K.
Identifiers: ClinVar variation 2600037 (VCV002600037.3), dbSNP rs149222287, ClinGen allele CA8133615.

ClinVar aggregate classification (germline): Conflicting classifications of pathogenicity. Review status: criteria provided, conflicting classifications (1 of 4 stars). 2 submissions from 2 submitters: Uncertain significance (1); Likely benign (1). Last evaluated 2023-08-28.

Conditions:
Inborn genetic diseases. Identifiers: MedGen C0950123, MeSH D030342.

Allele frequency attached by ClinVar (database versions not stated): gnomAD exomes below 0.00001; ExAC 0.00002; TOPMed 0.00002; gnomAD 0.00003; ESP Exome Variant Server 0.00008.
gnomAD v4.1: 7 of 1,599,280 alleles (0.00044%); highest among the groups gnomAD compares: Non-Finnish European, 0.0006%; no homozygotes.

Submissions (2):

Ambry Genetics
Classification: Likely benign for Inborn genetic diseases. Last evaluated: 2023-08-28. Review status: criteria provided, single submitter. Criteria: Ambry Variant Classification Scheme 2023. Collection method: clinical testing. Allele origin: germline.

GeneDx
Classification: Uncertain significance. Last evaluated: 2023-07-11. Review status: criteria provided, single submitter. Criteria: GeneDx Variant Classification Process June 2021. Collection method: clinical testing. Allele origin: germline. Affected: yes.
Comment: Has not been previously published as pathogenic or benign to our knowledge; Not observed at significant frequency in large population cohorts (gnomAD); In silico analysis supports that this missense variant does not alter protein structure/function